The following is an entry in ClinVar:

NM_015311.3(OBSL1):c.2143G>A (p.Val715Met)

Gene: OBSL1 (obscurin like cytoskeletal adaptor 1; minus strand). Cytogenetic location: 2q35.
Variant type: single nucleotide variant.
Coding change: c.2143G>A on transcript NM_015311.3 (MANE Select); coding-DNA position 2143, G replaced by A.
Protein change: p.Val715Met; replaces valine 715 with methionine.
Molecular consequence: missense variant.
Genome position (GRCh38, 1-based): chr2:219,565,506, C>T on the plus strand (G>A on the coding strand, the complement: OBSL1 is on the minus strand). VCF-style: chr2-219565506-C-T. GRCh37 (hg19) VCF-style: chr2-220430228-C-T.
Other names: c.2143G>A, p.Val715Met (NM_001173408.2, NM_001173431.2); c.2143G>A (NM_015311.2); short protein forms V715M.
Identifiers: ClinVar variation 2174811 (VCV002174811.7), dbSNP rs1276144306, ClinGen allele CA350752635.

ClinVar aggregate classification (germline): Uncertain significance. Review status: criteria provided, multiple submitters, no conflicts (2 of 4 stars). 3 submissions from 3 submitters: Uncertain significance (3). Last evaluated 2025-04-12.

Conditions:
Inborn genetic diseases. Identifiers: MedGen C0950123, MeSH D030342.

Allele frequency attached by ClinVar (database versions not stated): gnomAD exomes below 0.00001.
gnomAD v4.1: 8 of 1,606,816 alleles (0.0005%); highest among the groups gnomAD compares: East Asian, 0.0022%; no homozygotes.

Submissions (3):

Ambry Genetics
Classification: Uncertain significance for Inborn genetic diseases. Last evaluated: 2025-04-12. Review status: criteria provided, single submitter. Criteria: Ambry Variant Classification Scheme 2023. Collection method: clinical testing. Allele origin: germline.

Women's Health and Genetics/Laboratory Corporation of America, LabCorp
Classification: Uncertain significance. Last evaluated: 2025-04-08. Review status: criteria provided, single submitter. Criteria: LabCorp Variant Classification Summary - May 2015. Collection method: clinical testing. Allele origin: germline.
Comment: Variant summary: OBSL1 c.2143G>A (p.Val715Met) results in a conservative amino acid change in the encoded protein sequence. Three of five in-silico tools predict a damaging effect of the variant on protein function. The variant allele was found at a frequency of 4.1e-06 in 243610 control chromosomes. The available data on variant occurrences in the general population are insufficient to allow any conclusion about variant significance. To our knowledge, no occurrence of c.2143G>A in individuals affected with Three M Syndrome 2 and no experimental evidence demonstrating its impact on protein function have been reported. ClinVar contains an entry for this variant (Variation ID: 2174811). Based on the evidence outlined above, the variant was classified as uncertain significance.

Labcorp Genetics (formerly Invitae), Labcorp
Classification: Uncertain significance. Last evaluated: 2022-05-20. Review status: criteria provided, single submitter. Criteria: Invitae Variant Classification Sherloc (09022015). Collection method: clinical testing. Allele origin: germline.
Comment: In summary, the available evidence is currently insufficient to determine the role of this variant in disease. Therefore, it has been classified as a Variant of Uncertain Significance. Algorithms developed to predict the effect of missense changes on protein structure and function are either unavailable or do not agree on the potential impact of this missense change (SIFT: "Deleterious"; PolyPhen-2: "Possibly Damaging"; Align-GVGD: "Class C0"). This sequence change replaces valine, which is neutral and non-polar, with methionine, which is neutral and non-polar, at codon 715 of the OBSL1 protein (p.Val715Met). This variant is present in population databases (no rsID available, gnomAD 0.003%). This variant has not been reported in the literature in individuals affected with OBSL1-related conditions.